The following is an entry in ClinVar:

ClinVar aggregate classification (germline): Likely pathogenic. Review status: criteria provided, multiple submitters, no conflicts (2 of 4 stars). 3 submissions from 3 submitters: Likely pathogenic (2). 1 of the submissions does not count toward it. Last evaluated 2022-03-24.

Conditions:
Occipital pachygyria and polymicrogyria. Identifiers: Orphanet 280640, MedGen C3279875, MONDO:0013583, OMIM 614115.

Submissions (3):

Fulgent Genetics
Classification: Likely pathogenic for Occipital pachygyria and polymicrogyria. Last evaluated: 2022-03-24. Review status: criteria provided, single submitter. Criteria: ACMG Guidelines, 2015. Collection method: clinical testing. Allele origin: unknown.

Neuberg Centre For Genomic Medicine, NCGM
Classification: Likely pathogenic for Occipital pachygyria and polymicrogyria. Review status: criteria provided, single submitter. Criteria: ACMG Guidelines, 2015. Collection method: clinical testing. Allele origin: germline. Inheritance: Autosomal recessive inheritance. Affected: yes.
Comment: The observed frameshift c.903_904del (p.Cys301Ter) variant in LAMC3 gene has been previously reported in homozygous state in an individual affected with occipital cortical malformation (Barak et al., 2011). The p.Cys301Ter variant is present with allele frequency of 0.0008% in gnomAD Exomes. This variant has been submitted to the ClinVar database as Pathogenic/ Likely Pathogenic. This variant is predicted to cause loss of normal protein function through protein truncation. Loss of function variants in LAMC3 gene have been previously reported to be disease causing (Qian et al., 2021). However, additional functional studies will be required to prove the pathogenicity of this variant. For these reasons, this variant has been classified as Likely Pathogenic.

OMIM
Classification: Pathogenic for CORTICAL MALFORMATIONS, OCCIPITAL. Last evaluated: 2011-06-01. Review status: no assertion criteria provided. Collection method: literature only. Allele origin: germline. Not counted in ClinVar's aggregate classification.

Literature cited by the submitters: PubMed 21572413 (cited by OMIM).

NM_006059.4(LAMC3):c.903_904del (p.Cys301_Glu302delinsTer)

Gene: LAMC3 (laminin subunit gamma 3; plus strand). Cytogenetic location: 9q34.12.
Variant type: Microsatellite.
Coding change: c.903_904del on transcript NM_006059.4 (MANE Select); coding-DNA positions 903 to 904, 2 bases deleted (TG; older notation c.903_904delTG).
Protein change: p.Cys301_Glu302delinsTer.
Molecular consequence: nonsense.
Genome position (GRCh38, 1-based): chr9:131,036,259-131,036,260, TG deleted; deleting any 2 consecutive bases within chr9:131,036,257-131,036,260 gives the same sequence; the c. name uses the placement nearest the transcript's 3' end. VCF-style (leftmost placement, unchanged base first): chr9-131036256-CTG-C. GRCh37 (hg19) VCF-style: chr9-133911643-CTG-C.
Identifiers: ClinVar variation 30416 (VCV000030416.5), dbSNP rs761516738, ClinGen allele CA5286860.